The following is an entry in ClinVar:

NM_144773.4(PROKR2):c.680T>C (p.Ile227Thr)

Gene: PROKR2 (prokineticin receptor 2; minus strand). Cytogenetic location: 20p12.3.
Variant type: single nucleotide variant.
Coding change: c.680T>C on transcript NM_144773.4 (MANE Select); coding-DNA position 680, T replaced by C.
Protein change: p.Ile227Thr; replaces isoleucine 227 with threonine.
Molecular consequence: missense variant.
Genome position (GRCh38, 1-based): chr20:5,302,515, A>G on the plus strand (T>C on the coding strand, the complement: PROKR2 is on the minus strand). VCF-style: chr20-5302515-A-G. GRCh37 (hg19) VCF-style: chr20-5283161-A-G.
Other names: short protein forms I227T.
Identifiers: ClinVar variation 4856907 (VCV004856907.2).

ClinVar aggregate classification (germline): Uncertain significance (1 of 4 stars; one submission).

Submission:

Dasa
Classification: Uncertain significance. Last evaluated: 2025-12-06. Review status: criteria provided, single submitter. Criteria: DASA Assertion Criteria. Collection method: clinical testing. Allele origin: germline.
Comment: NM_144773.4(PROKR2):c.680T>C (p.Ile227Thr) is a missense variant that results in the substitution of isoleucine with threonine. This variant is absent from population databases. The currently available literature and clinical evidence are not sufficient to establish a definitive association between this variant and the reported condition. Therefore, this variant is classified as a variant of uncertain significance.